The following is an entry in ClinVar:

NM_015072.5(TTLL5):c.86G>A (p.Cys29Tyr)

Gene: TTLL5 (tubulin tyrosine ligase like 5; plus strand). Cytogenetic location: 14q24.3.
Variant type: single nucleotide variant.
Coding change: c.86G>A on transcript NM_015072.5 (MANE Select); coding-DNA position 86, G replaced by A.
Protein change: p.Cys29Tyr; replaces cysteine 29 with tyrosine.
Molecular consequence: missense variant.
Genome position (GRCh38, 1-based): chr14:75,669,427, G>A. VCF-style: chr14-75669427-G-A. GRCh37 (hg19) VCF-style: chr14-76135770-G-A.
Other names: short protein forms C29Y.
Identifiers: ClinVar variation 1415232 (VCV001415232.6), dbSNP rs1207808142, ClinGen allele CA390465487.

ClinVar aggregate classification (germline): Uncertain significance (1 of 4 stars; one submission).

Allele frequency attached by ClinVar (database versions not stated): gnomAD exomes below 0.00001; gnomAD 0.00002; TOPMed 0.00002.

Submission:

Labcorp Genetics (formerly Invitae), Labcorp
Classification: Uncertain significance. Last evaluated: 2023-08-10. Review status: criteria provided, single submitter. Criteria: Invitae Variant Classification Sherloc (09022015). Collection method: clinical testing. Allele origin: germline.
Comment: In summary, the available evidence is currently insufficient to determine the role of this variant in disease. Therefore, it has been classified as a Variant of Uncertain Significance. Advanced modeling of protein sequence and biophysical properties (such as structural, functional, and spatial information, amino acid conservation, physicochemical variation, residue mobility, and thermodynamic stability) performed at Invitae indicates that this missense variant is not expected to disrupt TTLL5 protein function. ClinVar contains an entry for this variant (Variation ID: 1415232). This variant has not been reported in the literature in individuals affected with TTLL5-related conditions. This variant is not present in population databases (gnomAD no frequency). This sequence change replaces cysteine, which is neutral and slightly polar, with tyrosine, which is neutral and polar, at codon 29 of the TTLL5 protein (p.Cys29Tyr).